The following continues an entry in ClinVar:

NM_000157.4(GBA1):c.259C>T (p.Arg87Trp)

ClinVar aggregate classification (germline): Pathogenic. Pathogenic (14).

Submissions 11 to 15 of 15:

Broad Center for Mendelian Genomics, Broad Institute of MIT and Harvard
Classification: Pathogenic for Gaucher disease. Last evaluated: 2020-01-22. Review status: criteria provided, single submitter. Criteria: ACMG Guidelines, 2015. Collection method: curation. Allele origin: germline. Inheritance: Autosomal recessive inheritance.
Comment: The p.Arg87Trp variant in GBA has been reported in at least 12 individuals with Gaucher disease, segregated with disease in 4 affected relatives from 2 families (PMID: 28506293, 28727984, 28947706, 7655857, 17574891, 9153297, 9295080, 17059888), and has been identified in 0.012% (2/16234) of African chromosomes by the Genome Aggregation Database (gnomAD; dbSNP rs1141814). Although this variant has been seen in the general population, its frequency is low enough to be consistent with a recessive carrier frequency. This variant has also been reported in ClinVar (VariationID: 4321) as pathogenic by OMIM and Integrated Genetics. In vitro functional studies provide some evidence that the p.Arg87Trp variant may slightly impact protein function (PMID: 9153297). However, these types of assays may not accurately represent biological function. Computational prediction tools and conservation analyses suggest that this variant may impact the protein, though this information is not predictive enough to determine pathogenicity. The presence of this variant in one affected homozygote and in combination with reported pathogenic variants in 7 individuals with Gaucher disease increases the likelihood that the p.Arg87Trp variant is pathogenic (VariationID: 4288, 4328, 65570; PMID: 28506293, 28727984, 28947706, 7655857, 17574891, 9295080). The phenotype of individuals compound heterozygous for this variant is highly specific for Gaucher disease based on significantly reduced beta-glucosidase activity in the leukocytes consistent with disease (PMID: 28506293, 9295080). In summary, this variant meets criteria to be classified as pathogenic for Gaucher disease in an autosomal recessive manner based on the presence of the variant in combination with other pathogenic variants in affected individuals, patient's phenotypes being highly specific for the gene, cosegregation with disease, and functional studies. ACMG/AMP Criteria applied: PM3_very-strong, PM2_supporting, PP3, PP4, PS3_supporting, PP1 (Richards 2015).

Revvity Omics, Revvity
Classification: Pathogenic. Last evaluated: 2019-08-23. Review status: criteria provided, single submitter. Criteria: ACMG Guidelines, 2015. Collection method: clinical testing. Allele origin: germline.

Women's Health and Genetics/Laboratory Corporation of America, LabCorp
Classification: Pathogenic for Gaucher disease. Last evaluated: 2016-11-10. Review status: criteria provided, single submitter. Criteria: LabCorp Variant Classification Summary - May 2015. Collection method: clinical testing. Allele origin: germline.
Comment: Variant summary: The GBA c.259C>T (p.Arg87Trp) variant, located in the Glycosyl hydrolase domain, causes a missense change involving a conserved nucleotide with 5/5 in silico tools predict a damaging outcome, which a functional study, Grace_1997, supports these predictions. The variant of interest was observed in the large, broad control population, ExAC, with an allele frequency 2/121120 (1/60560), which does not exceed the estimated maximal expected allele frequency for a pathogenic GBA variant of 1/200 (0.005). This variant has been reported in numerous GD patients, who were homozygous and compound heterozygous for the variant. In addition, multiple clinical diagnostic laboratories/reputable databases classified this variant as pathogenic. Taken together, this variant is classified as pathogenic.

Juno Genomics, Hangzhou Juno Genomics, Inc
Classification: Pathogenic for Gaucher disease perinatal lethal; Gaucher disease type I; Gaucher disease type II; Gaucher disease type III; Gaucher disease-ophthalmoplegia-cardiovascular calcification syndrome; Lewy body dementia; Parkinson disease, late-onset. Review status: criteria provided, single submitter. Criteria: ACMG Guidelines, 2015. Collection method: clinical testing. Allele origin: germline. Affected: yes.
Comment: Absent from controls (or at extremely low frequency if recessive) in Genome Aggregation Database, Exome Sequencing Project, 1000 Genomes Project, or Exome Aggregation Consortium.;Multiple lines of computational evidence support a deleterious effect on the gene or gene product (conservation, evolutionary, splicing impact, etc).;For recessive disorders, detected in trans with a pathogenic variant.;Patient's phenotype or family history is highly specific for a disease with a single genetic etiology.;Co-segregation with disease in multiple affected family members in a gene definitively known to cause the disease.

OMIM
Classification: Pathogenic for GAUCHER DISEASE, TYPE I. Last evaluated: 1997-10-03. Review status: no assertion criteria provided. Collection method: literature only. Allele origin: germline. Not counted in ClinVar's aggregate classification.

Literature cited by the submitters: PubMed 9153297 (cited by 4 submitters); PubMed 33176831 (cited by Otogenetics); PubMed 16293621 (cited by Otogenetics); PubMed 32547927 (cited by Otogenetics); PubMed 28506293 (cited by 3 submitters); PubMed 28727984 (cited by Natera, Inc. and Broad Center for Mendelian Genomics, Broad Institute of MIT and Harvard); PubMed 7655857 (cited by Mayo Clinic Laboratories, Mayo Clinic and Broad Center for Mendelian Genomics, Broad Institute of MIT and Harvard); PubMed 9295080 (cited by 3 submitters); PubMed 9683600 (cited by Mayo Clinic Laboratories, Mayo Clinic); PubMed 9856561 (cited by Mayo Clinic Laboratories, Mayo Clinic); PubMed 10796875 (cited by Mayo Clinic Laboratories, Mayo Clinic and Women's Health and Genetics/Laboratory Corporation of America, LabCorp); PubMed 17059888 (cited by 3 submitters); PubMed 17574891 (cited by 3 submitters); PubMed 20729108 (cited by Mayo Clinic Laboratories, Mayo Clinic); PubMed 24904648 (cited by Mayo Clinic Laboratories, Mayo Clinic); PubMed 27027900 (cited by Mayo Clinic Laboratories, Mayo Clinic); PubMed 28947706 (cited by Mayo Clinic Laboratories, Mayo Clinic and Broad Center for Mendelian Genomics, Broad Institute of MIT and Harvard); PubMed 29625627 (cited by Mayo Clinic Laboratories, Mayo Clinic); PubMed 1974409 (cited by OMIM).